The following is an entry in ClinVar:

ClinVar aggregate classification (germline): Uncertain significance (1 of 4 stars; one submission).

Submission:

GeneDx
Classification: Uncertain significance. Last evaluated: 2021-05-18. Review status: criteria provided, single submitter. Criteria: GeneDx Variant Classification Process June 2021. Collection method: clinical testing. Allele origin: germline. Affected: yes.
Comment: Has not been previously published as pathogenic or benign to our knowledge; Not observed in large population cohorts (Lek et al., 2016); Missense variants in this gene are often considered pathogenic (Stenson et al., 2014); In silico analysis supports that this missense variant has a deleterious effect on protein structure/function

NM_001184880.2(PCDH19):c.2078T>C (p.Phe693Ser)

Gene: PCDH19 (protocadherin 19; minus strand). Cytogenetic location: Xq22.1.
Variant type: single nucleotide variant.
Coding change: c.2078T>C on transcript NM_001184880.2 (MANE Select); coding-DNA position 2078, T replaced by C.
Protein change: p.Phe693Ser; replaces phenylalanine 693 with serine.
Molecular consequence: missense variant.
Genome position (GRCh38, 1-based): chrX:100,406,520, A>G on the plus strand (T>C on the coding strand, the complement: PCDH19 is on the minus strand). VCF-style: chrX-100406520-A-G. GRCh37 (hg19) VCF-style: chrX-99661518-A-G.
Other names: c.2078T>C, p.Phe693Ser (NM_001105243.2, NM_020766.3); short protein forms F693S.
Identifiers: ClinVar variation 1326010 (VCV001326010.2), dbSNP rs2147537187, ClinGen allele CA414001338.